The following is an entry in ClinVar:

NM_006565.4(CTCF):c.784G>A (p.Val262Ile)

Gene: CTCF (CCCTC-binding factor; plus strand). Cytogenetic location: 16q22.1.
Variant type: single nucleotide variant.
Coding change: c.784G>A on transcript NM_006565.4 (MANE Select); coding-DNA position 784, G replaced by A.
Protein change: p.Val262Ile; replaces valine 262 with isoleucine.
Molecular consequence: missense variant. On other transcripts: intron variant (1).
Genome position (GRCh38, 1-based): chr16:67,611,953, G>A. VCF-style: chr16-67611953-G-A. GRCh37 (hg19) VCF-style: chr16-67645856-G-A.
Other names: p.Val262Ile; c.784G>A, p.Val262Ile (NM_001363916.2); c.-32-4792G>A (NM_001191022.2); short protein forms V262I.
Identifiers: ClinVar variation 2627747 (VCV002627747.1), dbSNP rs751726330, ClinGen allele CA8112576.

ClinVar aggregate classification (germline): Uncertain significance (0 of 4 stars; one submission).

Conditions:
CTCF-related neurodevelopmental disorder. Also called: INTELLECTUAL DEVELOPMENTAL DISORDER, AUTOSOMAL DOMINANT 21; Intellectual disability-feeding difficulties-developmental delay-microcephaly syndrome. Identifiers: Orphanet 363611, MedGen C3809686, MONDO:0014213, OMIM 615502.

Allele frequency attached by ClinVar (database versions not stated): ExAC 0.00002.
gnomAD v4.1: 2 of 1,613,912 alleles (0.00012%); highest among the groups gnomAD compares: Non-Finnish European, 0.000085%; no homozygotes.

Submission:

Clinical Genomics Laboratory, Stanford Medicine
Classification: Uncertain significance for CTCF-related neurodevelopmental disorder. Last evaluated: 2020-12-03. Review status: no assertion criteria provided. Collection method: clinical testing. Allele origin: germline. Inheritance: Autosomal dominant inheritance. Affected: yes. Observed: 1 heterozygote.
Comment: The p.Val262Ile variant in the CTCF gene has not been previously reported in association with disease. This variant has been identified in 1/251,414 chromosomes by the Genome Aggregation Database. The CTCF gene has fewer missense variants in the general population than expected. A low rate of missense variation may suggest that this gene is intolerant to missense variation. Computational tools predict that the p.Val262Ile variant does not impact protein function; however, the accuracy of in silico algorithms is limited. These data were assessed using the ACMG/AMP variant interpretation guidelines. In summary, the significance of the p.Val262Ile variant is uncertain. Additional information is needed to resolve the significance of this variant. [ACMG evidence codes used: PM2; PP2]